The following is an entry in ClinVar:

NM_001039876.3(SYNE4):c.832C>T (p.Gln278Ter)

Gene: SYNE4 (spectrin repeat containing nuclear envelope family member 4; minus strand). Cytogenetic location: 19q13.12.
Variant type: single nucleotide variant.
Coding change: c.832C>T on transcript NM_001039876.3 (MANE Select); coding-DNA position 832, C replaced by T.
Protein change: p.Gln278Ter; replaces glutamine 278 with a stop codon.
Molecular consequence: nonsense.
Genome position (GRCh38, 1-based): chr19:36,006,458, G>A on the plus strand (C>T on the coding strand, the complement: SYNE4 is on the minus strand). VCF-style: chr19-36006458-G-A. GRCh37 (hg19) VCF-style: chr19-36497360-G-A.
Other names: c.493C>T, p.Gln165Ter (NM_001297735.3); short protein forms Q165*, Q278*.
Identifiers: ClinVar variation 2899915 (VCV002899915.3), dbSNP rs757248672, ClinGen allele CA9393841.

ClinVar aggregate classification (germline): Pathogenic (1 of 4 stars; one submission).

Allele frequency attached by ClinVar (database versions not stated): ExAC 0.00002; gnomAD 0.00002; gnomAD exomes 0.00002; TOPMed 0.00002.
gnomAD v4.1: 28 of 1,612,190 alleles (0.0017%); highest among the groups gnomAD compares: African/African-American, 0.004%; no homozygotes.

Submission:

Labcorp Genetics (formerly Invitae), Labcorp
Classification: Pathogenic. Last evaluated: 2023-06-09. Review status: criteria provided, single submitter. Criteria: Invitae Variant Classification Sherloc (09022015). Collection method: clinical testing. Allele origin: germline.
Comment: This sequence change creates a premature translational stop signal (p.Gln278*) in the SYNE4 gene. It is expected to result in an absent or disrupted protein product. Loss-of-function variants in SYNE4 are known to be pathogenic (PMID: 23348741, 28958982). This variant is present in population databases (rs757248672, gnomAD 0.007%). This variant has not been reported in the literature in individuals affected with SYNE4-related conditions. For these reasons, this variant has been classified as Pathogenic.

Literature cited by the submitters: PubMed 23348741; PubMed 28958982.